The following is an entry in ClinVar:

ClinVar aggregate classification (germline): Uncertain significance (1 of 4 stars; one submission).

Conditions:
Episodic kinesigenic dyskinesia (EKD). Also called: Paroxysmal kinesigenic dyskinesia. Identifiers: Orphanet 98809, MedGen C1868682, MONDO:0044202.

Submission:

Labcorp Genetics (formerly Invitae), Labcorp
Classification: Uncertain significance for Episodic kinesigenic dyskinesia. Last evaluated: 2025-12-15. Review status: criteria provided, single submitter. Criteria: Invitae Variant Classification Sherloc (09022015). Collection method: clinical testing. Allele origin: germline.
Comment: This sequence change falls in intron 2 of the PRRT2 gene. It does not directly change the encoded amino acid sequence of the PRRT2 protein. It affects a nucleotide within the consensus splice site. This variant is not present in population databases (gnomAD no frequency). This variant has not been reported in the literature in individuals affected with PRRT2-related conditions. Variants that disrupt the consensus splice site are a relatively common cause of aberrant splicing (PMID: 17576681, 9536098). Algorithms developed to predict the effect of sequence changes on RNA splicing suggest that this variant may disrupt the consensus splice site. In summary, the available evidence is currently insufficient to determine the role of this variant in disease. Therefore, it has been classified as a Variant of Uncertain Significance.

Literature cited by the submitters: PubMed 17576681; PubMed 9536098.

NM_145239.3(PRRT2):c.879+4dup

Genes: MVP-DT (MVP divergent transcript; minus strand), PRRT2 (proline rich transmembrane protein 2; plus strand). Cytogenetic location: 16p11.2.
Variant type: Duplication.
Coding change: c.879+4dup on transcript NM_145239.3 (MANE Select); 4 bases into the intron after coding-DNA position 879, one base duplicated (A; older notation c.879+4dupA).
Molecular consequence: intron variant. On other transcripts: frameshift variant (2).
Genome position (GRCh38, 1-based): chr16:29,813,937, A duplicated. VCF-style (leftmost placement, unchanged base first): chr16-29813936-G-GA. GRCh37 (hg19) VCF-style: chr16-29825257-G-GA.
Other names: c.883dup, p.Ser295fs (NM_001256443.2, NM_001438122.1); c.879+4dup (NM_001438121.1, NM_001438120.1, NM_001256442.2); short protein forms S295fs.
Identifiers: ClinVar variation 4733250 (VCV004733250.1).